The following is an entry in ClinVar:

NM_000214.3(JAG1):c.967T>C (p.Ser323Pro)

Gene: JAG1 (jagged canonical Notch ligand 1; minus strand). Cytogenetic location: 20p12.2.
Variant type: single nucleotide variant.
Coding change: c.967T>C on transcript NM_000214.3 (MANE Select); coding-DNA position 967, T replaced by C.
Protein change: p.Ser323Pro; replaces serine 323 with proline.
Molecular consequence: missense variant.
Genome position (GRCh38, 1-based): chr20:10,652,170, A>G on the plus strand (T>C on the coding strand, the complement: JAG1 is on the minus strand). VCF-style: chr20-10652170-A-G. GRCh37 (hg19) VCF-style: chr20-10632818-A-G.
Other names: short protein forms S323P.
Identifiers: ClinVar variation 3573203 (VCV003573203.2).
Genomic context (GRCh38, chr20:10,652,170, plus strand): 5'-CATTCATCTTGGACCACTTACCAATTTCACAGTTGGGTCCTGAATACCCCTCAGGGCAGG[A>G]ACACTGATATTTGTCAGGGCCTGTGTTGCTACAAGTTCCCCCGTTGAGACACGGCTGATG-3'
Protein context (NP_000205.1, residues 313-333): SNTGPDKYQC[Ser323Pro]CPEGYSGPNC

Conditions:
Arteriohepatic dysplasia. Also called: Alagille Syndrome. Identifiers: Orphanet 52, MedGen C0085280, MeSH D016738, MONDO:0007318.

Submission:

Gilbert/Spinner Lab, Children's Hospital of Philadelphia
No classification provided (evidence only). Condition: Alagille syndrome. Review status: no classification provided. Collection method: research. Allele origin: not applicable. Functional consequence: functionally_abnormal.
ClinVar note: "not provided" was previously submitted as the classification for the variant. However, the classification appeared to be based only on an observation of functional data so it was converted to no classification on 2025-07-30.